The following is an entry in ClinVar:

NM_016169.4(SUFU):c.1135G>C (p.Ala379Pro)

Gene: SUFU (SUFU negative regulator of hedgehog signaling; plus strand). Cytogenetic location: 10q24.32.
Variant type: single nucleotide variant.
Coding change: c.1135G>C on transcript NM_016169.4 (MANE Select); coding-DNA position 1135, G replaced by C.
Protein change: p.Ala379Pro; replaces alanine 379 with proline.
Molecular consequence: missense variant.
Genome position (GRCh38, 1-based): chr10:102,615,380, G>C. VCF-style: chr10-102615380-G-C. GRCh37 (hg19) VCF-style: chr10-104375137-G-C.
Other names: c.1135G>C, p.Ala379Pro (NM_001178133.2); short protein forms A379P.
Identifiers: ClinVar variation 1720815 (VCV001720815.6), dbSNP rs2492779822, ClinGen allele CA377914474.
Genomic context (GRCh38, chr10:102,615,380, plus strand): 5'-GAGCTGATTCGCACGCGGCAGCTTGAGAGCGTACATCTGAAATTCAACCAGGAGTCCGGA[G>C]CCCTCATTCCTCTCTGCCTAAGGTGAGCGAGACAGCCCTGCCACACAGTTTACCCCACAG-3'
Protein context (NP_057253.2, residues 369-389): VHLKFNQESG[Ala379Pro]LIPLCLRGRL

ClinVar aggregate classification (germline): Uncertain significance (1 of 4 stars; one submission).

Conditions:
Medulloblastoma (MDB). Also called: MEDULLOBLASTOMA PREDISPOSITION SYNDROME; Medulloblastoma, somatic. Identifiers: Orphanet 616, MedGen C0025149, MeSH D008527, MONDO:0007959, OMIM 155255, HP:0002885.
Gorlin syndrome. Also called: Basal cell nevus syndrome; Nevoid Basal Cell Carcinoma Syndrome. Identifiers: Orphanet 377, MedGen C0004779, MONDO:0007187.

Submission:

Labcorp Genetics (formerly Invitae), Labcorp
Classification: Uncertain significance for Gorlin syndrome; Medulloblastoma. Last evaluated: 2022-10-08. Review status: criteria provided, single submitter. Criteria: Invitae Variant Classification Sherloc (09022015). Collection method: clinical testing. Allele origin: germline.
Comment: This sequence change replaces alanine, which is neutral and non-polar, with proline, which is neutral and non-polar, at codon 379 of the SUFU protein (p.Ala379Pro). This variant is not present in population databases (gnomAD no frequency). This variant has not been reported in the literature in individuals affected with SUFU-related conditions. Advanced modeling of protein sequence and biophysical properties (such as structural, functional, and spatial information, amino acid conservation, physicochemical variation, residue mobility, and thermodynamic stability) performed at Invitae indicates that this missense variant is not expected to disrupt SUFU protein function. In summary, the available evidence is currently insufficient to determine the role of this variant in disease. Therefore, it has been classified as a Variant of Uncertain Significance.